The following is an entry in ClinVar:

NM_000213.5(ITGB4):c.4541C>T (p.Thr1514Ile)

Genes: GALK1 (galactokinase 1; minus strand), ITGB4 (integrin subunit beta 4; plus strand). Cytogenetic location: 17q25.1.
Variant type: single nucleotide variant.
Coding change: c.4541C>T on transcript NM_000213.5 (MANE Select); coding-DNA position 4541, C replaced by T.
Protein change: p.Thr1514Ile; replaces threonine 1514 with isoleucine.
Molecular consequence: missense variant. On other transcripts: intron variant (1).
Genome position (GRCh38, 1-based): chr17:75,754,798, C>T. VCF-style: chr17-75754798-C-T. GRCh37 (hg19) VCF-style: chr17-73750879-C-T.
Other names: c.4331C>T, p.Thr1444Ile (NM_001005619.2, NM_001005731.3, NM_001321123.2 and 1 more transcripts); c.*23-3061G>A (NM_001381985.1); short protein forms T1444I, T1514I.
Identifiers: ClinVar variation 3530582 (VCV003530582.1).

ClinVar aggregate classification (germline): Uncertain significance. Review status: criteria provided, multiple submitters, no conflicts (2 of 4 stars). 2 submissions from 2 submitters: Uncertain significance (2). Last evaluated 2025-05-07.

Conditions:
Inborn genetic diseases. Identifiers: MedGen C0950123, MeSH D030342.

gnomAD v4.1: 6 of 1,614,114 alleles (0.00037%); highest among the groups gnomAD compares: Admixed American, 0.0083%; no homozygotes.

Submissions (2):

Labcorp Genetics (formerly Invitae), Labcorp
Classification: Uncertain significance. Last evaluated: 2025-05-07. Review status: criteria provided, single submitter. Criteria: Invitae Variant Classification Sherloc (09022015). Collection method: clinical testing. Allele origin: germline.
Comment: This sequence change replaces threonine, which is neutral and polar, with isoleucine, which is neutral and non-polar, at codon 1444 of the ITGB4 protein (p.Thr1444Ile). This variant is present in population databases (rs746272889, gnomAD 0.01%). This variant has not been reported in the literature in individuals affected with ITGB4-related conditions. ClinVar contains an entry for this variant (Variation ID: 3530582). An algorithm developed to predict the effect of missense changes on protein structure and function (PolyPhen-2) suggests that this variant is likely to be tolerated. In summary, the available evidence is currently insufficient to determine the role of this variant in disease. Therefore, it has been classified as a Variant of Uncertain Significance.

Ambry Genetics
Classification: Uncertain significance for Inborn genetic diseases. Last evaluated: 2024-10-24. Review status: criteria provided, single submitter. Criteria: Ambry Variant Classification Scheme 2023. Collection method: clinical testing. Allele origin: germline.